The following is an entry in ClinVar:

ClinVar aggregate classification (germline): Benign (0 of 4 stars; one submission).

Conditions:
MDN1-related disorder. Also called: MDN1-related condition.

Allele frequency attached by ClinVar (database versions not stated): gnomAD exomes 0.00024; gnomAD 0.00042; TOPMed 0.00047; ExAC 0.00080; 1000 Genomes Project 30x 0.00219; 1000 Genomes Project 0.00280.
gnomAD v4.1: 420 of 1,614,018 alleles (0.026%); highest among the groups gnomAD compares: East Asian, 0.88%; 5 homozygotes.

Submission:

PreventionGenetics, part of Exact Sciences
Classification: Benign for MDN1-related condition. Last evaluated: 2019-12-06. Review status: no assertion criteria provided. Collection method: clinical testing. Allele origin: germline.
Comment: This variant is classified as benign based on ACMG/AMP sequence variant interpretation guidelines (Richards et al. 2015 PMID: 25741868, with internal and published modifications).

NM_014611.3(MDN1):c.3289C>T (p.Leu1097=)

Gene: MDN1 (midasin AAA ATPase 1; minus strand). Cytogenetic location: 6q15.
Variant type: single nucleotide variant.
Coding change: c.3289C>T on transcript NM_014611.3 (MANE Select); coding-DNA position 3289, C replaced by T.
Protein change: p.Leu1097=; no amino-acid change (leucine 1097 retained).
Molecular consequence: synonymous variant.
Genome position (GRCh38, 1-based): chr6:89,750,471, G>A on the plus strand (C>T on the coding strand, the complement: MDN1 is on the minus strand). VCF-style: chr6-89750471-G-A. GRCh37 (hg19) VCF-style: chr6-90460190-G-A.
Identifiers: ClinVar variation 3034676 (VCV003034676.2), dbSNP rs77470166, ClinGen allele CA3925389.
Genomic context (GRCh38, chr6:89,750,471, plus strand): 5'-GAATATCCGTGTGTTCGTGATTATTAATACGCACACAGTGGTTGCCAGTAGCTGCAGCCA[G>A]CCACTGGATCAGGCTTGTTTTACCAACTGATGTCTCTCCCTGAATCAGCACTGGATAGGT-3'
Protein context (NP_055426.1, residues 1087-1107): SVGKTSLIQW[Leu1097=]AAATGNHCVR